The following is an entry in ClinVar:

ClinVar aggregate classification (germline): Uncertain significance (1 of 4 stars; one submission).

Allele frequency attached by ClinVar (database versions not stated): gnomAD 0.00001; gnomAD exomes 0.00002.
gnomAD v4.1: 25 of 1,614,002 alleles (0.0015%); highest among the groups gnomAD compares: East Asian, 0.051%; no homozygotes.

Submission:

Labcorp Genetics (formerly Invitae), Labcorp
Classification: Uncertain significance. Last evaluated: 2022-10-08. Review status: criteria provided, single submitter. Criteria: Invitae Variant Classification Sherloc (09022015). Collection method: clinical testing. Allele origin: germline.
Comment: This sequence change replaces arginine, which is basic and polar, with cysteine, which is neutral and slightly polar, at codon 52 of the MDH2 protein (p.Arg52Cys). This variant is not present in population databases (gnomAD no frequency). This missense change has been observed in individual(s) with hyperglycemia (PMID: 34718610). Advanced modeling of protein sequence and biophysical properties (such as structural, functional, and spatial information, amino acid conservation, physicochemical variation, residue mobility, and thermodynamic stability) performed at Invitae indicates that this missense variant is not expected to disrupt MDH2 protein function. Experimental studies have shown that this missense change affects MDH2 function (PMID: 34718610). In summary, the available evidence is currently insufficient to determine the role of this variant in disease. Therefore, it has been classified as a Variant of Uncertain Significance.

Literature cited by the submitters: PubMed 34718610.

NM_005918.4(MDH2):c.154C>T (p.Arg52Cys)

Gene: MDH2 (malate dehydrogenase 2; plus strand). Cytogenetic location: 7q11.23.
Variant type: single nucleotide variant.
Coding change: c.154C>T on transcript NM_005918.4 (MANE Select); coding-DNA position 154, C replaced by T.
Protein change: p.Arg52Cys; replaces arginine 52 with cysteine.
Molecular consequence: missense variant. On other transcripts: intron variant (1).
Genome position (GRCh38, 1-based): chr7:76,054,917, C>T. VCF-style: chr7-76054917-C-T. GRCh37 (hg19) VCF-style: chr7-75684235-C-T.
Other names: c.154C>T, p.Arg52Cys (NM_001282403.2); c.-86-2493C>T (NM_001282404.2); short protein forms R52C.
Identifiers: ClinVar variation 1964369 (VCV001964369.2), dbSNP rs901290701, ClinGen allele CA160907063.